The following is an entry in ClinVar:

NM_022787.4(NMNAT1):c.716T>C (p.Leu239Ser)

Gene: NMNAT1 (nicotinamide nucleotide adenylyltransferase 1; plus strand). Cytogenetic location: 1p36.22.
Variant type: single nucleotide variant.
Coding change: c.716T>C on transcript NM_022787.4 (MANE Select); coding-DNA position 716, T replaced by C.
Protein change: p.Leu239Ser; replaces leucine 239 with serine.
Molecular consequence: missense variant.
Genome position (GRCh38, 1-based): chr1:9,982,577, T>C. VCF-style: chr1-9982577-T-C. GRCh37 (hg19) VCF-style: chr1-10042635-T-C.
Other names: c.716T>C, p.Leu239Ser (NM_001297778.1); short protein forms L239S.
Identifiers: ClinVar variation 464670 (VCV000464670.8), dbSNP rs778606847, ClinGen allele CA579318.

ClinVar aggregate classification (germline): Pathogenic/Likely pathogenic. Review status: criteria provided, multiple submitters, no conflicts (2 of 4 stars). 4 submissions from 4 submitters: Pathogenic (1); Likely pathogenic (2). 1 of the submissions does not count toward it. Last evaluated 2025-01-28.

Conditions:
NMNAT1-related disorder. Also called: NMNAT1-related condition.
Retinal dystrophy. Also called: Inherited retinal dystrophy. Identifiers: Orphanet 71862, MedGen C0854723, MeSH D058499, MONDO:0019118, HP:0000556.
Leber congenital amaurosis 9 (LCA9). Also called: LCA9 Leber Congenital Amaurosis; LCA 9; Amaurosis congenita of Leber, type 9. Identifiers: Orphanet 65, MedGen C1837873, MONDO:0012056, OMIM 608553.

Allele frequency attached by ClinVar (database versions not stated): gnomAD 0.00001 and 0.00002; gnomAD exomes 0.00001; ExAC 0.00002; TOPMed 0.00002.

Submissions (4):

PreventionGenetics, part of Exact Sciences
Classification: Likely pathogenic for NMNAT1-related condition. Last evaluated: 2025-01-28. Review status: criteria provided, single submitter. Criteria: ACMG Guidelines, 2015. Collection method: clinical testing. Allele origin: germline.
Comment: The NMNAT1 c.716T>C variant is predicted to result in the amino acid substitution p.Leu239Ser. This variant has been reported along with a second NMNAT1 variant in individuals with Leber congenital amaurosis (Perrault et al. 2012. PubMed ID: 22842229; Supplemental, Hou et al. 2020. PubMed ID: 31980526; Sallum et al. 2020. PubMed ID: 32865313). A functional study using protein expression in cell culture found that the p.Leu239Ser substitution reduces protein function (Sasaki et al. 2015. PubMed ID: 26018082). This variant is present in 0.0031% of alleles in individuals of European (Non-Finnish) descent in gnomAD. This variant is interpreted as likely pathogenic.

Labcorp Genetics (formerly Invitae), Labcorp
Classification: Pathogenic for Leber congenital amaurosis 9. Last evaluated: 2023-11-27. Review status: criteria provided, single submitter. Criteria: Invitae Variant Classification Sherloc (09022015). Collection method: clinical testing. Allele origin: germline.
Comment: This sequence change replaces leucine, which is neutral and non-polar, with serine, which is neutral and polar, at codon 239 of the NMNAT1 protein (p.Leu239Ser). This variant is present in population databases (rs778606847, gnomAD 0.003%). This missense change has been observed in individual(s) with Leber congenital amaurosis (PMID: 22842229). In at least one individual the data is consistent with being in trans (on the opposite chromosome) from a pathogenic variant. ClinVar contains an entry for this variant (Variation ID: 464670). Advanced modeling of protein sequence and biophysical properties (such as structural, functional, and spatial information, amino acid conservation, physicochemical variation, residue mobility, and thermodynamic stability) performed at Invitae indicates that this missense variant is expected to disrupt NMNAT1 protein function with a positive predictive value of 80%. Experimental studies have shown that this missense change affects NMNAT1 function (PMID: 26018082). For these reasons, this variant has been classified as Pathogenic.

Institute of Human Genetics, Univ. Regensburg, Univ. Regensburg
Classification: Likely pathogenic for Retinal dystrophy. Last evaluated: 2017-01-01. Review status: criteria provided, single submitter. Criteria: ACMG Guidelines, 2015. Collection method: clinical testing. Allele origin: germline. Affected: yes.

Laboratory of Genetics in Ophthalmology, Institut Imagine
Classification: Pathogenic for Leber congenital amaurosis 9. Review status: no assertion criteria provided. Collection method: research. Allele origin: inherited. Affected: yes. Observed: 1 variant allele. Not counted in ClinVar's aggregate classification.

Literature cited by the submitters: PubMed 22842229 (cited by 3 submitters); PubMed 26018082 (cited by Labcorp Genetics (formerly Invitae), Labcorp and Institute of Human Genetics, Univ. Regensburg, Univ. Regensburg); PubMed 31964843 (cited by Institute of Human Genetics, Univ. Regensburg, Univ. Regensburg); PubMed 31980526 (cited by Institute of Human Genetics, Univ. Regensburg, Univ. Regensburg); PubMed 32865313 (cited by Institute of Human Genetics, Univ. Regensburg, Univ. Regensburg).